The following is an entry in ClinVar:

NM_052867.4(NALCN):c.5099T>C (p.Val1700Ala)

Genes: NALCN (sodium leak channel, non-selective; minus strand), NALCN-AS1 (NALCN antisense RNA 1; plus strand). Cytogenetic location: 13q32.3.
Variant type: single nucleotide variant.
Coding change: c.5099T>C on transcript NM_052867.4 (MANE Select); coding-DNA position 5099, T replaced by C.
Protein change: p.Val1700Ala; replaces valine 1700 with alanine.
Molecular consequence: missense variant. On other transcripts: non-coding transcript variant (1).
Genome position (GRCh38, 1-based): chr13:101,055,413, A>G on the plus strand (T>C on the coding strand, the complement: NALCN is on the minus strand). VCF-style: chr13-101055413-A-G. GRCh37 (hg19) VCF-style: chr13-101707765-A-G.
Other names: c.5186T>C, p.Val1729Ala (NM_001350748.2); c.5099T>C, p.Val1700Ala (NM_001350749.2); c.5012T>C, p.Val1671Ala (NM_001350750.2, NM_001350751.2); short protein forms V1729A, V1671A, V1700A.
Identifiers: ClinVar variation 3630186 (VCV003630186.2).

ClinVar aggregate classification (germline): Uncertain significance (1 of 4 stars; one submission).

Submission:

Labcorp Genetics (formerly Invitae), Labcorp
Classification: Uncertain significance. Last evaluated: 2025-01-13. Review status: criteria provided, single submitter. Criteria: Invitae Variant Classification Sherloc (09022015). Collection method: clinical testing. Allele origin: germline.
Comment: This sequence change replaces valine, which is neutral and non-polar, with alanine, which is neutral and non-polar, at codon 1700 of the NALCN protein (p.Val1700Ala). This variant is not present in population databases (gnomAD no frequency). This variant has not been reported in the literature in individuals affected with NALCN-related conditions. Invitae Evidence Modeling of protein sequence and biophysical properties (such as structural, functional, and spatial information, amino acid conservation, physicochemical variation, residue mobility, and thermodynamic stability) indicates that this missense variant is not expected to disrupt NALCN protein function with a negative predictive value of 80%. In summary, the available evidence is currently insufficient to determine the role of this variant in disease. Therefore, it has been classified as a Variant of Uncertain Significance.